The following is an entry in ClinVar:

ClinVar aggregate classification (germline): Conflicting classifications of pathogenicity. Review status: criteria provided, conflicting classifications (1 of 4 stars). 11 submissions from 11 submitters: Uncertain significance (7); Likely benign (1). 3 of the submissions do not count toward it. Last evaluated 2025-09-24.

Conditions:
Inborn genetic diseases. Identifiers: MedGen C0950123, MeSH D030342.
Pontocerebellar hypoplasia type 5 (PCH5). Also called: Pontocerebellar Hypoplasia Type 5 (PCH5). Identifiers: Orphanet 166068, MedGen C1857762, MONDO:0012438, OMIM 610204.
Pontocerebellar hypoplasia type 4 (PCH4). Also called: Pontocerebellar Hypoplasia Type 4 (PCH4). Identifiers: Orphanet 166063, MedGen C1856974, MONDO:0009166, OMIM 225753.
Pontocerebellar hypoplasia type 2A (PCH2A). Also called: PONTOCEREBELLAR HYPOPLASIA WITH PROGRESSIVE CEREBRAL ATROPHY; VOLENDAM NEURODEGENERATIVE DISEASE. Identifiers: Orphanet 2524, MedGen C1848526, MONDO:0010190, OMIM 277470.
Olivopontocerebellar hypoplasia. Identifiers: MedGen C1859341, HP:0006955.
Pontoneocerebellar hypoplasia. Also called: Pontocerebellar hypoplasia; Non-syndromic pontocerebellar hypoplasia. Identifiers: Orphanet 98523, MedGen C1261175, MONDO:0020135.

Allele frequency attached by ClinVar (database versions not stated): 1000 Genomes Project 30x 0.00031; TOPMed 0.00040; gnomAD 0.00044 and 0.00045; ESP Exome Variant Server 0.00047; gnomAD exomes 0.00047 and 0.00055; ExAC 0.00078.
gnomAD v4.1: 853 of 1,550,716 alleles (0.055%); highest among the groups gnomAD compares: Middle Eastern, 0.13%; 2 homozygotes.

Submissions (11):

Ambry Genetics
Classification: Uncertain significance for Inborn genetic diseases. Last evaluated: 2025-09-24. Review status: criteria provided, single submitter. Criteria: Ambry Variant Classification Scheme 2023. Collection method: clinical testing. Allele origin: germline.

Labcorp Genetics (formerly Invitae), Labcorp
Classification: Uncertain significance. Last evaluated: 2022-09-19. Review status: criteria provided, single submitter. Criteria: Invitae Variant Classification Sherloc (09022015). Collection method: clinical testing. Allele origin: germline.
Comment: This sequence change replaces valine, which is neutral and non-polar, with methionine, which is neutral and non-polar, at codon 372 of the TSEN54 protein (p.Val372Met). This variant is present in population databases (rs200434678, gnomAD 0.08%), and has an allele count higher than expected for a pathogenic variant. This variant has not been reported in the literature in individuals affected with TSEN54-related conditions. ClinVar contains an entry for this variant (Variation ID: 160124). Advanced modeling of protein sequence and biophysical properties (such as structural, functional, and spatial information, amino acid conservation, physicochemical variation, residue mobility, and thermodynamic stability) performed at Invitae indicates that this missense variant is not expected to disrupt TSEN54 protein function. In summary, the available evidence is currently insufficient to determine the role of this variant in disease. Therefore, it has been classified as a Variant of Uncertain Significance.

Clinical Genetics Laboratory, Skane University Hospital Lund
Classification: Uncertain significance. Last evaluated: 2022-05-27. Review status: criteria provided, single submitter. Criteria: ACMG Guidelines, 2015. Collection method: clinical testing. Allele origin: germline. Affected: yes.

Department of Pathology and Laboratory Medicine, Sinai Health System
Classification: Uncertain significance for Pontocerebellar hypoplasia type 4; Pontocerebellar hypoplasia type 2A; Pontocerebellar hypoplasia type 5. Last evaluated: 2021-09-13. Review status: criteria provided, single submitter. Criteria: ACMG Guidelines, 2015. Collection method: research. Allele origin: germline.

GeneDx
Classification: Likely benign. Last evaluated: 2020-12-08. Review status: criteria provided, single submitter. Criteria: GeneDx Variant Classification Process June 2021. Collection method: clinical testing. Allele origin: germline. Affected: yes.

Illumina Laboratory Services, Illumina
Classification: Uncertain significance for Pontoneocerebellar hypoplasia. Last evaluated: 2018-01-13. Review status: criteria provided, single submitter. Criteria: ICSL Variant Classification Criteria 13 December 2019. Collection method: clinical testing. Allele origin: germline.

Eurofins Ntd Llc (ga)
Classification: Uncertain significance. Last evaluated: 2016-09-26. Review status: criteria provided, single submitter. Criteria: EGL Classification Definitions 2015. Collection method: clinical testing. Allele origin: germline. Observed: 3 variant alleles, 3 heterozygotes.

Genetic Services Laboratory, University of Chicago
Classification: Uncertain significance for olivopontocerebellar hypoplasia. Last evaluated: 2014-06-24. Review status: criteria provided, single submitter. Criteria: ACMG Guidelines, 2015. Collection method: clinical testing. Allele origin: germline. Inheritance: Autosomal recessive inheritance.

Clinical Genetics DNA and cytogenetics Diagnostics Lab, Erasmus MC, Erasmus Medical Center
Classification: Uncertain significance. Review status: no assertion criteria provided. Collection method: clinical testing. Allele origin: germline. Affected: yes. Study: VKGL Data-share Consensus. Not counted in ClinVar's aggregate classification.

Diagnostic Laboratory, Department of Genetics, University Medical Center Groningen
Classification: Uncertain significance. Review status: no assertion criteria provided. Collection method: clinical testing. Allele origin: germline. Affected: yes. Study: VKGL Data-share Consensus. Not counted in ClinVar's aggregate classification.

Genome Diagnostics Laboratory, Amsterdam University Medical Center
Classification: Uncertain significance. Review status: no assertion criteria provided. Collection method: clinical testing. Allele origin: germline. Affected: yes. Study: VKGL Data-share Consensus. Not counted in ClinVar's aggregate classification.

NM_207346.3(TSEN54):c.1114G>A (p.Val372Met)

Gene: TSEN54 (tRNA splicing endonuclease subunit 54; plus strand). Cytogenetic location: 17q25.1.
Variant type: single nucleotide variant.
Coding change: c.1114G>A on transcript NM_207346.3 (MANE Select); coding-DNA position 1114, G replaced by A.
Protein change: p.Val372Met; replaces valine 372 with methionine.
Molecular consequence: missense variant.
Genome position (GRCh38, 1-based): chr17:75,522,195, G>A. VCF-style: chr17-75522195-G-A. GRCh37 (hg19) VCF-style: chr17-73518276-G-A.
Other names: short protein forms V372M.
Identifiers: ClinVar variation 160124 (VCV000160124.26), dbSNP rs200434678, ClinGen allele CA173706.
Genomic context (GRCh38, chr17:75,522,195, plus strand): 5'-GAACGGGAGCACCACGCGGAGGCCGCGCAGTTCCAGGAAGATGTCAACGCCGATCCCGAG[G>A]TGCAGCGGTGCTCCAGCTGGCGGGAGTACAAGGAGCTGCTGCAGCGGCGGCAGGTGCAGA-3'
Protein context (NP_997229.2, residues 362-382): FQEDVNADPE[Val372Met]QRCSSWREYK